The following is an entry in ClinVar:

ClinVar aggregate classification (germline): Uncertain significance. Review status: criteria provided, multiple submitters, no conflicts (2 of 4 stars). 3 submissions from 3 submitters: Uncertain significance (3). Last evaluated 2023-04-22.

Conditions:
Microcephaly, normal intelligence and immunodeficiency (NBS). Also called: Nijmegen breakage syndrome; Microcephaly with normal intelligence immunodeficiency and lymphoreticular malignancies; Nonsyndromal microcephaly autosomal recessive with normal intelligence; Seemanova syndrome 2; SEEMANOVA SYNDROME II; Immunodeficiency, microcephaly with normal intelligence. Identifiers: Orphanet 647, MedGen C0398791, MONDO:0009623, OMIM 251260.
Hereditary cancer-predisposing syndrome. Also called: Neoplastic Syndromes, Hereditary; Hereditary Cancer Syndrome; Tumor predisposition; Hereditary neoplastic syndrome. Identifiers: Orphanet 140162, MedGen C0027672, MeSH D009386, MONDO:0015356.

Submissions (3):

Ambry Genetics
Classification: Uncertain significance for Hereditary cancer-predisposing syndrome. Last evaluated: 2023-04-22. Review status: criteria provided, single submitter. Criteria: Ambry Variant Classification Scheme 2023. Collection method: clinical testing. Allele origin: germline.
Comment: The p.D527G variant (also known as c.1580A>G), located in coding exon 11 of the NBN gene, results from an A to G substitution at nucleotide position 1580. The aspartic acid at codon 527 is replaced by glycine, an amino acid with similar properties. This amino acid position is conserved. In addition, this alteration is predicted to be tolerated by in silico analysis. Since supporting evidence is limited at this time, the clinical significance of this alteration remains unclear.

Labcorp Genetics (formerly Invitae), Labcorp
Classification: Uncertain significance for Microcephaly, normal intelligence and immunodeficiency. Last evaluated: 2022-10-24. Review status: criteria provided, single submitter. Criteria: Invitae Variant Classification Sherloc (09022015). Collection method: clinical testing. Allele origin: germline.
Comment: This sequence change replaces aspartic acid, which is acidic and polar, with glycine, which is neutral and non-polar, at codon 527 of the NBN protein (p.Asp527Gly). This variant is not present in population databases (gnomAD no frequency). This variant has not been reported in the literature in individuals affected with NBN-related conditions. ClinVar contains an entry for this variant (Variation ID: 1692681). Algorithms developed to predict the effect of missense changes on protein structure and function are either unavailable or do not agree on the potential impact of this missense change (SIFT: "Deleterious"; PolyPhen-2: "Benign"; Align-GVGD: "Class C0"). In summary, the available evidence is currently insufficient to determine the role of this variant in disease. Therefore, it has been classified as a Variant of Uncertain Significance.

Sema4
Classification: Uncertain significance for Hereditary cancer-predisposing syndrome. Last evaluated: 2021-12-17. Review status: criteria provided, single submitter. Criteria: Sema4 Curation Guidelines. Collection method: curation. Allele origin: germline.
Comment: The NBN c.1580A>G (p.D527G) variant has not been reported in the literature to our knowledge. This variant is not reported in the population database Genome Aggregation Database (PMID: 32461654). This variant has not been reported in ClinVar. In silico tools suggest the impact of the variant on protein function is benign, though these predictions have not been confirmed by functional studies. The evidence is insufficient to meet ACMG/AMP criteria for classifying the variant as benign or pathogenic. Thus, the clinical significance of this variant is currently uncertain.

NM_002485.5(NBN):c.1580A>G (p.Asp527Gly)

Gene: NBN (nibrin; minus strand). Cytogenetic location: 8q21.3.
Variant type: single nucleotide variant.
Coding change: c.1580A>G on transcript NM_002485.5 (MANE Select); coding-DNA position 1580, A replaced by G.
Protein change: p.Asp527Gly; replaces aspartic acid 527 with glycine.
Molecular consequence: missense variant.
Genome position (GRCh38, 1-based): chr8:89,953,509, T>C on the plus strand (A>G on the coding strand, the complement: NBN is on the minus strand). VCF-style: chr8-89953509-T-C. GRCh37 (hg19) VCF-style: chr8-90965737-T-C.
Other names: c.1334A>G, p.Asp445Gly (NM_001024688.3); short protein forms D445G, D527G.
Identifiers: ClinVar variation 1692681 (VCV001692681.8), dbSNP rs1554558407, ClinGen allele CA371655550.